The following is an entry in ClinVar:

NM_000342.4(SLC4A1):c.1942del (p.Trp648fs)

Gene: SLC4A1 (solute carrier family 4 member 1 (Diego blood group); minus strand). Cytogenetic location: 17q21.31.
Variant type: Deletion.
Coding change: c.1942del on transcript NM_000342.4 (MANE Select); coding-DNA position 1942, one base deleted (T; older notation c.1942delT).
Protein change: p.Trp648fs; shifts the reading frame from tryptophan 648.
Molecular consequence: frameshift variant.
Genome position (GRCh38, 1-based): chr17:44,254,611, A deleted on the plus strand (T on the coding strand, the reverse complement: SLC4A1 is on the minus strand). VCF-style (leftmost placement, unchanged base first): chr17-44254610-CA-C. GRCh37 (hg19) VCF-style: chr17-42331978-CA-C.
Other names: p.Trp648Glyfs*16; short protein forms W648fs.
Identifiers: ClinVar variation 3381163 (VCV003381163.2).
Genomic context (GRCh38, chr17:44,254,610, plus strand): 5'-GCGGAGGCAAACATCATCCAGATGGGAAACTCGGAACGCAAGCCCAGTGGGTGGATGACC[CA>C]GCCCCGGGCTGAGGAGTTGGACACCTTGAAGCCATCAGGCACCGAGAGTTTCTGTGGGAG-3'

ClinVar aggregate classification (germline): Likely pathogenic (1 of 4 stars; one submission).

Submission:

Mayo Clinic Laboratories, Mayo Clinic
Classification: Likely pathogenic. Last evaluated: 2025-04-21. Review status: criteria provided, single submitter. Criteria: ACMG Guidelines, 2015. Collection method: clinical testing. Allele origin: germline. Observed: 2 variant alleles.
Comment: PM2_moderate, PVS1